The following is an entry in ClinVar:

NM_004960.4(FUS):c.648C>T (p.Arg216=)

Gene: FUS (FUS RNA binding protein; plus strand). Cytogenetic location: 16p11.2.
Variant type: single nucleotide variant.
Coding change: c.648C>T on transcript NM_004960.4 (MANE Select); coding-DNA position 648, C replaced by T.
Protein change: p.Arg216=; no amino-acid change (arginine 216 retained).
Molecular consequence: synonymous variant. On other transcripts: non-coding transcript variant (1).
Genome position (GRCh38, 1-based): chr16:31,185,063, C>T. VCF-style: chr16-31185063-C-T. GRCh37 (hg19) VCF-style: chr16-31196384-C-T.
Other names: p.Arg216=; c.648C>T (NM_004960.3); c.645C>T, p.Arg215= (NM_001170634.1); c.636C>T, p.Arg212= (NM_001170937.1).
Identifiers: ClinVar variation 1630018 (VCV001630018.9), dbSNP rs556586630, ClinGen allele CA8023727.

ClinVar aggregate classification (germline): Likely benign. Review status: criteria provided, multiple submitters, no conflicts (2 of 4 stars). 2 submissions from 2 submitters: Likely benign (2). Last evaluated 2025-09-02.

Conditions:
Amyotrophic lateral sclerosis type 6. Also called: FUS-Related Amyotrophic Laterial Sclerosis; Amyotrophic lateral sclerosis 6, with or without frontotemporal dementia; AMYOTROPHIC LATERAL SCLEROSIS 6 WITHOUT FRONTOTEMPORAL DEMENTIA. Identifiers: Orphanet 275872, Orphanet 803, MedGen C2931786, MONDO:0011951, OMIM 608030.
Tremor, hereditary essential, 4 (ETM4). Identifiers: MedGen C3539195, MONDO:0013888, OMIM 614782.

Allele frequency attached by ClinVar (database versions not stated): gnomAD 0.00002 and 0.00009; TOPMed 0.00003; gnomAD exomes 0.00004; ExAC 0.00009; 1000 Genomes Project 30x 0.00016; 1000 Genomes Project 0.00020.
gnomAD v4.1: 65 of 1,610,978 alleles (0.004%); highest among the groups gnomAD compares: East Asian, 0.045%; 2 homozygotes.

Submissions (2):

Mayo Clinic Laboratories, Mayo Clinic
Classification: Likely benign. Last evaluated: 2025-09-02. Review status: criteria provided, single submitter. Criteria: ACMG Guidelines, 2015. Collection method: clinical testing. Allele origin: germline. Observed: 1 variant allele.
Comment: BS2, BP4, BP7

Labcorp Genetics (formerly Invitae), Labcorp
Classification: Likely benign for Tremor, hereditary essential, 4; Amyotrophic lateral sclerosis type 6. Last evaluated: 2024-08-13. Review status: criteria provided, single submitter. Criteria: Invitae Variant Classification Sherloc (09022015). Collection method: clinical testing. Allele origin: germline.

Literature cited by the submitters: PubMed 22340366 (cited by Mayo Clinic Laboratories, Mayo Clinic).